The following is an entry in ClinVar:

ClinVar aggregate classification (germline): Conflicting classifications of pathogenicity. Review status: criteria provided, conflicting classifications (1 of 4 stars). 3 submissions from 3 submitters: Uncertain significance (2); Likely benign (1). Last evaluated 2025-12-29.

Conditions:
Hereditary cancer-predisposing syndrome. Also called: Hereditary neoplastic syndrome; Neoplastic Syndromes, Hereditary; Tumor predisposition; Hereditary Cancer Syndrome. Identifiers: Orphanet 140162, MedGen C0027672, MeSH D009386, MONDO:0015356.

Allele frequency attached by ClinVar (database versions not stated): gnomAD below 0.00001 and 0.00001; gnomAD exomes below 0.00001 and 0.00001; ExAC 0.00002.
gnomAD v4.1: 6 of 1,594,530 alleles (0.00038%); highest among the groups gnomAD compares: East Asian, 0.009%; no homozygotes.

Submissions (3):

Labcorp Genetics (formerly Invitae), Labcorp
Classification: Uncertain significance. Last evaluated: 2025-12-29. Review status: criteria provided, single submitter. Criteria: Invitae Variant Classification Sherloc (09022015). Collection method: clinical testing. Allele origin: germline.
Comment: This sequence change replaces glutamine, which is neutral and polar, with arginine, which is basic and polar, at codon 5 of the NTHL1 protein (p.Gln5Arg). This variant is present in population databases (rs756332498, gnomAD 0.02%). This variant has not been reported in the literature in individuals affected with NTHL1-related conditions. ClinVar contains an entry for this variant (Variation ID: 939179). An algorithm developed to predict the effect of missense changes on protein structure and function outputs the following: PolyPhen-2: "Benign". The arginine amino acid residue is found in multiple mammalian species, which suggests that this missense change does not adversely affect protein function. In summary, the available evidence is currently insufficient to determine the role of this variant in disease. Therefore, it has been classified as a Variant of Uncertain Significance.

Quest Diagnostics Nichols Institute San Juan Capistrano
Classification: Uncertain significance. Last evaluated: 2025-03-03. Review status: criteria provided, single submitter. Criteria: Quest Diagnostics criteria. Collection method: clinical testing. Allele origin: unknown.
Comment: The NTHL1 c.14A>G (p.Gln5Arg) variant has been reported in the published literature in a somatic variant identified in a breast cancer tumor sample (PMID: 32091409 (2020)). The frequency of this variant in the general population (Genome Aggregation Database) is uninformative in the assessment of its pathogenicity. Analysis of this variant using bioinformatics tools for the prediction of the effect of amino acid changes on protein structure and function yielded predictions that this variant is benign. Based on the available information, we are unable to determine the clinical significance of this variant.

Ambry Genetics
Classification: Likely benign for Hereditary cancer-predisposing syndrome. Last evaluated: 2024-03-21. Review status: criteria provided, single submitter. Criteria: Ambry Variant Classification Scheme 2023. Collection method: clinical testing. Allele origin: germline.

Literature cited by the submitters: PubMed 32091409 (cited by Quest Diagnostics Nichols Institute San Juan Capistrano).

NM_002528.7(NTHL1):c.-11A>G

Gene: NTHL1 (nth like DNA glycosylase 1; minus strand). Cytogenetic location: 16p13.3.
Variant type: single nucleotide variant.
Coding change: c.-11A>G on transcript NM_002528.7 (MANE Select); 11 bases upstream of the start codon, A replaced by G.
Molecular consequence: 5 prime UTR variant.
Genome position (GRCh38, 1-based): chr16:2,047,834, T>C on the plus strand (A>G on the coding strand, the complement: NTHL1 is on the minus strand). VCF-style: chr16-2047834-T-C. GRCh37 (hg19) VCF-style: chr16-2097835-T-C.
Other names: c.-11A>G (NM_001318193.2); c.-189A>G (NM_001318194.2).
Identifiers: ClinVar variation 939179 (VCV000939179.11), dbSNP rs756332498, ClinGen allele CA027582.
Genomic context (GRCh38, chr16:2,047,834, plus strand): 5'-GGTCCCAGGCTCCGGCTCCGGGTCAGCATCCTCGCGCTCAAGGCGGTCATGCCGGACTCC[T>C]GCGGACTACACATCCCGGCGGCCCATGCGGCCCCGTCACGTGATGCAAGGATCGCCGGCC-3'